The following is an entry in ClinVar:

NM_001005242.3(PKP2):c.964_977del (p.Gly322fs)

Gene: PKP2 (plakophilin 2; minus strand). Cytogenetic location: 12p11.21.
Variant type: Deletion.
Coding change: c.964_977del on transcript NM_001005242.3 (MANE Select); coding-DNA positions 964 to 977, 14 bases deleted (GGCCAGGCGGCCGC).
Protein change: p.Gly322fs; shifts the reading frame from glycine 322.
Molecular consequence: frameshift variant.
Genome position (GRCh38, 1-based): chr12:32,877,903-32,877,916, GCGGCCGCCTGGCC deleted on the plus strand (GGCCAGGCGGCCGC on the coding strand, the reverse complement: PKP2 is on the minus strand); deleting any 14 consecutive bases within chr12:32,877,903-32,877,917 gives the same sequence; the c. name uses the placement nearest the transcript's 3' end. VCF-style (leftmost placement, unchanged base first): chr12-32877902-TGCGGCCGCCTGGCC-T. GRCh37 (hg19) VCF-style: chr12-33030836-TGCGGCCGCCTGGCC-T.
Other names: c.963_976delCGGCCAGGCGGCCG, p.Gly322Argfs (NM_001407155.1, NM_001407156.1, NM_001407157.1 and 1 more transcripts); c.636_649delCGGCCAGGCGGCCG, p.Gly213Argfs (NM_001407158.1, NM_001407159.1, NM_001407160.1 and 1 more transcripts); c.964_977del, p.Gly322fs (NM_004572.4); c.964_977del14 (NM_004572.3); short protein forms G322fs.
Identifiers: ClinVar variation 1767649 (VCV001767649.2), dbSNP rs2541338147, ClinGen allele CA2580085411.

ClinVar aggregate classification (germline): Pathogenic (1 of 4 stars; one submission).

Conditions:
Cardiovascular phenotype. Identifiers: MedGen CN230736.

Submission:

Ambry Genetics
Classification: Pathogenic for Cardiovascular phenotype. Last evaluated: 2022-07-11. Review status: criteria provided, single submitter. Criteria: Ambry Variant Classification Scheme 2023. Collection method: clinical testing. Allele origin: germline.
Comment: The c.964_977del14 pathogenic mutation, located in coding exon 3 of the PKP2 gene, results from a deletion of 14 nucleotides at nucleotide positions 964 to 977, causing a translational frameshift with a predicted alternate stop codon (p.G322Rfs*9). This variant is considered to be rare based on population cohorts in the Genome Aggregation Database (gnomAD). In addition, this alteration is expected to result in loss of function by premature protein truncation or nonsense-mediated mRNA decay. As such, this alteration is interpreted as a disease-causing mutation.